The following is an entry in ClinVar:

NM_001379500.1(COL18A1):c.540T>A (p.Cys180Ter)

Gene: COL18A1 (collagen type XVIII alpha 1 chain; plus strand). Cytogenetic location: 21q22.3.
Variant type: single nucleotide variant.
Coding change: c.540T>A on transcript NM_001379500.1 (MANE Select); coding-DNA position 540, T replaced by A.
Protein change: p.Cys180Ter; replaces cysteine 180 with a stop codon.
Molecular consequence: nonsense.
Genome position (GRCh38, 1-based): chr21:45,468,675, T>A. VCF-style: chr21-45468675-T-A. GRCh37 (hg19) VCF-style: chr21-46888589-T-A.
Other names: c.1080T>A, p.Cys360Ter (NM_030582.4); c.1785T>A, p.Cys595Ter (NM_130444.3); short protein forms C360*, C180*, C595*.
Identifiers: ClinVar variation 4714271 (VCV004714271.1).

ClinVar aggregate classification (germline): Pathogenic (1 of 4 stars; one submission).

Submission:

Labcorp Genetics (formerly Invitae), Labcorp
Classification: Pathogenic. Last evaluated: 2025-03-05. Review status: criteria provided, single submitter. Criteria: Invitae Variant Classification Sherloc (09022015). Collection method: clinical testing. Allele origin: germline.
Comment: This sequence change creates a premature translational stop signal (p.Cys180*) in the COL18A1 gene. It is expected to result in an absent or disrupted protein product. Loss-of-function variants in COL18A1 are known to be pathogenic (PMID: 12415512, 25456301). This variant is not present in population databases (gnomAD no frequency). This variant has not been reported in the literature in individuals affected with COL18A1-related conditions. For these reasons, this variant has been classified as Pathogenic.

Literature cited by the submitters: PubMed 12415512; PubMed 25456301.